The following is an entry in ClinVar:

ClinVar aggregate classification (germline): Benign. Review status: criteria provided, single submitter (1 of 4 stars). 2 submissions from 2 submitters: Benign (1). 1 of the submissions does not count toward it. Last evaluated 2019-12-31.

Conditions:
MID2-related disorder. Also called: MID2-related condition.

Allele frequency attached by ClinVar (database versions not stated): gnomAD exomes 0.00009 and 0.00018; ExAC 0.00027; gnomAD 0.00085 and 0.00084; ESP Exome Variant Server 0.00123; 1000 Genomes Project 30x 0.00250; TOPMed 0.00101; 1000 Genomes Project 0.00185.
gnomAD v4.1: 198 of 1,098,627 alleles (0.018%); highest among the groups gnomAD compares: African/African-American, 0.25%; no homozygotes.

Submissions (2):

Labcorp Genetics (formerly Invitae), Labcorp
Classification: Benign. Last evaluated: 2019-12-31. Review status: criteria provided, single submitter. Criteria: Invitae Variant Classification Sherloc (09022015). Collection method: clinical testing. Allele origin: germline.

PreventionGenetics, part of Exact Sciences
Classification: Likely benign for MID2-related condition. Last evaluated: 2024-07-10. Review status: no assertion criteria provided. Collection method: clinical testing. Allele origin: germline. Not counted in ClinVar's aggregate classification.
Comment: This variant is classified as likely benign based on ACMG/AMP sequence variant interpretation guidelines (Richards et al. 2015 PMID: 25741868, with internal and published modifications).

NM_012216.4(MID2):c.924+7C>T

Genes: MID2 (midline 2; plus strand), LOC101928335 (uncharacterized LOC101928335; minus strand). Cytogenetic location: Xq22.3.
Variant type: single nucleotide variant.
Coding change: c.924+7C>T on transcript NM_012216.4 (MANE Select); 7 bases into the intron after coding-DNA position 924, C replaced by T.
Molecular consequence: intron variant.
Genome position (GRCh38, 1-based): chrX:107,904,072, C>T. VCF-style: chrX-107904072-C-T. GRCh37 (hg19) VCF-style: chrX-107147302-C-T.
Other names: c.924+7C>T (NM_052817.3).
Identifiers: ClinVar variation 723496 (VCV000723496.5), dbSNP rs200569889, ClinGen allele CA10486080.
Genomic context (GRCh38, chrX:107,904,072, plus strand): 5'-GAGATCATCCAGCAGAGGAAGCAAATGATCGCTGTCAAAATCAAAGAGACAAAGGTAAAG[C>T]GCAGCACTTCAGTGAATCCAAGGAAGGGTTGACTTTACAAATATCAAAGTTTGATCCAGA-3'